The following is an entry in ClinVar:

NM_001711.6(BGN):c.1024G>A (p.Val342Met)

Gene: BGN (biglycan; plus strand). Cytogenetic location: Xq28.
Variant type: single nucleotide variant.
Coding change: c.1024G>A on transcript NM_001711.6 (MANE Select); coding-DNA position 1024, G replaced by A.
Protein change: p.Val342Met; replaces valine 342 with methionine.
Molecular consequence: missense variant.
Genome position (GRCh38, 1-based): chrX:153,508,362, G>A. VCF-style: chrX-153508362-G-A. GRCh37 (hg19) VCF-style: chrX-152773820-G-A.
Other names: short protein forms V342M.
Identifiers: ClinVar variation 1769114 (VCV001769114.6), dbSNP rs1322466217, ClinGen allele CA415071877.

ClinVar aggregate classification (germline): Uncertain significance. Review status: criteria provided, multiple submitters, no conflicts (2 of 4 stars). 2 submissions from 2 submitters: Uncertain significance (2). Last evaluated 2025-08-30.

Conditions:
Cardiovascular phenotype. Identifiers: MedGen CN230736.

Allele frequency attached by ClinVar (database versions not stated): gnomAD 0.00004; TOPMed 0.00004; gnomAD exomes 0.00001.

Submissions (2):

Ambry Genetics
Classification: Uncertain significance for Cardiovascular phenotype. Last evaluated: 2025-08-30. Review status: criteria provided, single submitter. Criteria: Ambry Variant Classification Scheme 2023. Collection method: clinical testing. Allele origin: germline.

Labcorp Genetics (formerly Invitae), Labcorp
Classification: Uncertain significance. Last evaluated: 2025-06-04. Review status: criteria provided, single submitter. Criteria: Invitae Variant Classification Sherloc (09022015). Collection method: clinical testing. Allele origin: germline.
Comment: This sequence change replaces valine, which is neutral and non-polar, with methionine, which is neutral and non-polar, at codon 342 of the BGN protein (p.Val342Met). This variant is present in population databases (no rsID available, gnomAD 0.007%). This variant has not been reported in the literature in individuals affected with BGN-related conditions. ClinVar contains an entry for this variant (Variation ID: 1769114). Invitae Evidence Modeling of protein sequence and biophysical properties (such as structural, functional, and spatial information, amino acid conservation, physicochemical variation, residue mobility, and thermodynamic stability) indicates that this missense variant is not expected to disrupt BGN protein function with a negative predictive value of 80%. In summary, the available evidence is currently insufficient to determine the role of this variant in disease. Therefore, it has been classified as a Variant of Uncertain Significance.